The following is an entry in ClinVar:

ClinVar aggregate classification (germline): Uncertain significance (1 of 4 stars; one submission).

Conditions:
Familial intrahepatic cholestasis. Identifiers: Orphanet 284385, MedGen CN296401, MONDO:0017290.

Submission:

Genomenon, Inc
Classification: Uncertain significance for Familial intrahepatic cholestasis. Last evaluated: 2026-04-14. Review status: criteria provided, single submitter. Criteria: Genomenon Sequence Variant Interpretation Standards - Updated. Collection method: curation. Allele origin: germline. Affected: yes.
Comment: ABCB4 p.Gln945Arg (c.2834A>G) is a missense variant that changes the amino acid at residue 945 from Glutamine to Arginine. This variant has been observed in at least one proband with an ABCB4-related disorder (PMID:34016879). It is absent or not present at a significant frequency in gnomAD. In silico models predict that this variant is possibly or probably damaging. In conclusion, we classify ABCB4 p.Gln945Arg (c.2834A>G) as a variant of uncertain significance.

Literature cited by the submitters: PubMed 34016879.

NM_000443.4(ABCB4):c.2834A>G (p.Gln945Arg)

Gene: ABCB4 (ATP binding cassette subfamily B member 4; minus strand). Cytogenetic location: 7q21.12.
Variant type: single nucleotide variant.
Coding change: c.2834A>G on transcript NM_000443.4 (MANE Select); coding-DNA position 2834, A replaced by G.
Protein change: p.Gln945Arg; replaces glutamine 945 with arginine.
Molecular consequence: missense variant. On other transcripts: intron variant (1).
Genome position (GRCh38, 1-based): chr7:87,411,983, T>C on the plus strand (A>G on the coding strand, the complement: ABCB4 is on the minus strand). VCF-style: chr7-87411983-T-C. GRCh37 (hg19) VCF-style: chr7-87041299-T-C.
Other names: c.2834A>G, p.Gln945Arg (NM_018849.3); c.2783+1634A>G (NM_018850.3); short protein forms Q945R.
Identifiers: ClinVar variation 4846595 (VCV004846595.1).